The following is an entry in ClinVar:

NM_000327.4(ROM1):c.167C>G (p.Ser56Cys)

Gene: ROM1 (retinal outer segment membrane protein 1; plus strand). Cytogenetic location: 11q12.3.
Variant type: single nucleotide variant.
Coding change: c.167C>G on transcript NM_000327.4 (MANE Select); coding-DNA position 167, C replaced by G.
Protein change: p.Ser56Cys; replaces serine 56 with cysteine.
Molecular consequence: missense variant.
Genome position (GRCh38, 1-based): chr11:62,613,448, C>G. VCF-style: chr11-62613448-C-G. GRCh37 (hg19) VCF-style: chr11-62380920-C-G.
Other names: short protein forms S56C.
Identifiers: ClinVar variation 877753 (VCV000877753.13), dbSNP rs199847029, ClinGen allele CA6049658.
Genomic context (GRCh38, chr11:62,613,448, plus strand): 5'-TCCTCTGTAGTGGGCACCTCCTGGTCCAGCTAAGGCACCTTGGCACCTTCCTGGCTCCCT[C>G]CTGTCAGTTCCCTGTCCTGCCCCAGGCTGCCCTGGCAGCGGGCGCGGTGGCTCTGGGCAC-3'
Protein context (NP_000318.2, residues 46-66): LRHLGTFLAP[Ser56Cys]CQFPVLPQAA

ClinVar aggregate classification (germline): Uncertain significance. Review status: criteria provided, multiple submitters, no conflicts (2 of 4 stars). 3 submissions from 3 submitters: Uncertain significance (3). Last evaluated 2025-05-09.

Conditions:
Retinitis pigmentosa (RP). Identifiers: Orphanet 791, MedGen C0035334, MeSH D012174, MONDO:0019200, OMIM 268000. Inheritance: Autosomal dominant, autosomal recessive and X linked inheritance.

Allele frequency attached by ClinVar (database versions not stated): TOPMed 0.00008; ESP Exome Variant Server 0.00015.

Submissions (3):

Labcorp Genetics (formerly Invitae), Labcorp
Classification: Uncertain significance. Last evaluated: 2025-05-09. Review status: criteria provided, single submitter. Criteria: Invitae Variant Classification Sherloc (09022015). Collection method: clinical testing. Allele origin: germline.
Comment: This sequence change replaces serine, which is neutral and polar, with cysteine, which is neutral and slightly polar, at codon 56 of the ROM1 protein (p.Ser56Cys). This variant is present in population databases (rs199847029, gnomAD 0.02%). This variant has not been reported in the literature in individuals affected with ROM1-related conditions. ClinVar contains an entry for this variant (Variation ID: 877753). Invitae Evidence Modeling of protein sequence and biophysical properties (such as structural, functional, and spatial information, amino acid conservation, physicochemical variation, residue mobility, and thermodynamic stability) indicates that this missense variant is not expected to disrupt ROM1 protein function with a negative predictive value of 80%. In summary, the available evidence is currently insufficient to determine the role of this variant in disease. Therefore, it has been classified as a Variant of Uncertain Significance.

Blueprint Genetics
Classification: Uncertain significance. Last evaluated: 2024-01-17. Review status: criteria provided, single submitter. Criteria: ACMG Guidelines, 2015. Collection method: clinical testing. Allele origin: germline.

Illumina Laboratory Services, Illumina
Classification: Uncertain significance for Retinitis pigmentosa. Last evaluated: 2018-01-12. Review status: criteria provided, single submitter. Criteria: ICSL Variant Classification Criteria 13 December 2019. Collection method: clinical testing. Allele origin: germline.